The following is an entry in ClinVar:

ClinVar aggregate classification (germline): Uncertain significance (1 of 4 stars; one submission).

Conditions:
Emery-Dreifuss muscular dystrophy 5, autosomal dominant (EDMD5). Also called: EMERY-DREIFUSS MUSCULAR DYSTROPHY 5. Identifiers: Orphanet 261, MedGen C2751805, MONDO:0013072, OMIM 612999.

Allele frequency attached by ClinVar (database versions not stated): gnomAD exomes below 0.00001.
gnomAD v4.1: 1 of 1,611,750 alleles (0.000062%); highest among the groups gnomAD compares: Non-Finnish European, 0.000085%; no homozygotes.

Submission:

Labcorp Genetics (formerly Invitae), Labcorp
Classification: Uncertain significance for Emery-Dreifuss muscular dystrophy 5, autosomal dominant. Last evaluated: 2018-11-16. Review status: criteria provided, single submitter. Criteria: Invitae Variant Classification Sherloc (09022015). Collection method: clinical testing. Allele origin: germline.
Comment: In summary, the available evidence is currently insufficient to determine the role of this variant in disease. Therefore, it has been classified as a Variant of Uncertain Significance. Algorithms developed to predict the effect of missense changes on protein structure and function are either unavailable or do not agree on the potential impact of this missense change (SIFT: "Deleterious"; PolyPhen-2: "Probably Damaging"; Align-GVGD: "Class C0"). This variant has not been reported in the literature in individuals with SYNE2-related disease. This variant is not present in population databases (ExAC no frequency). This sequence change replaces asparagine with histidine at codon 120 of the SYNE2 protein (p.Asn120His). The asparagine residue is weakly conserved and there is a small physicochemical difference between asparagine and histidine.

NM_182914.3(SYNE2):c.358A>C (p.Asn120His)

Gene: SYNE2 (spectrin repeat containing nuclear envelope protein 2; plus strand). Cytogenetic location: 14q23.2.
Variant type: single nucleotide variant.
Coding change: c.358A>C on transcript NM_182914.3 (MANE Select); coding-DNA position 358, A replaced by C.
Protein change: p.Asn120His; replaces asparagine 120 with histidine.
Molecular consequence: missense variant.
Genome position (GRCh38, 1-based): chr14:63,942,093, A>C. VCF-style: chr14-63942093-A-C. GRCh37 (hg19) VCF-style: chr14-64408811-A-C.
Other names: c.358A>C, p.Asn120His (NM_015180.6); short protein forms N120H.
Identifiers: ClinVar variation 644185 (VCV000644185.8), dbSNP rs1595773305, ClinGen allele CA389935960.